The following is an entry in ClinVar:

NM_001288705.3(CSF1R):c.624G>C (p.Val208=)

Gene: CSF1R (colony stimulating factor 1 receptor; minus strand). Cytogenetic location: 5q32.
Variant type: single nucleotide variant.
Coding change: c.624G>C on transcript NM_001288705.3 (MANE Select); coding-DNA position 624, G replaced by C.
Protein change: p.Val208=; no amino-acid change (valine 208 retained).
Molecular consequence: synonymous variant. On other transcripts: non-coding transcript variant (2).
Genome position (GRCh38, 1-based): chr5:150,078,217, C>G on the plus strand (G>C on the coding strand, the complement: CSF1R is on the minus strand). VCF-style: chr5-150078217-C-G. GRCh37 (hg19) VCF-style: chr5-149457780-C-G.
Other names: c.624G>C, p.Val208= (NM_001349736.2, NM_001375320.1, NM_005211.4); c.180G>C, p.Val60= (NM_001375321.1).
Identifiers: ClinVar variation 4691649 (VCV004691649.1).

ClinVar aggregate classification (germline): Uncertain significance (1 of 4 stars; one submission).

gnomAD v4.1: 1 of 1,614,136 alleles (0.000062%); no homozygotes.

Submission:

Labcorp Genetics (formerly Invitae), Labcorp
Classification: Uncertain significance. Last evaluated: 2025-06-12. Review status: criteria provided, single submitter. Criteria: Invitae Variant Classification Sherloc (09022015). Collection method: clinical testing. Allele origin: germline.
Comment: This sequence change affects codon 208 of the CSF1R mRNA. It is a 'silent' change, meaning that it does not change the encoded amino acid sequence of the CSF1R protein. This variant is not present in population databases (gnomAD no frequency). This variant has not been reported in the literature in individuals affected with CSF1R-related conditions. Algorithms developed to predict the effect of sequence changes on RNA splicing suggest that this variant may disrupt the consensus splice site. In summary, the available evidence is currently insufficient to determine the role of this variant in disease. Therefore, it has been classified as a Variant of Uncertain Significance.